The following is an entry in ClinVar:

ClinVar aggregate classification (germline): Uncertain significance (1 of 4 stars; one submission).

Conditions:
Progressive familial heart block type IB (PFHB1B). Identifiers: Orphanet 871, MedGen C1970298, MONDO:0011474, OMIM 604559.

Submission:

Labcorp Genetics (formerly Invitae), Labcorp
Classification: Uncertain significance for Progressive familial heart block type IB. Last evaluated: 2025-08-24. Review status: criteria provided, single submitter. Criteria: Invitae Variant Classification Sherloc (09022015). Collection method: clinical testing. Allele origin: germline.
Comment: This variant, c.53_55del, results in the deletion of 1 amino acid(s) of the TRPM4 protein (p.Lys18del), but otherwise preserves the integrity of the reading frame. This variant is present in population databases (no rsID available, gnomAD 0.006%). This variant has not been reported in the literature in individuals affected with TRPM4-related conditions. Experimental studies and prediction algorithms are not available or were not evaluated, and the functional significance of this variant is currently unknown. In summary, the available evidence is currently insufficient to determine the role of this variant in disease. Therefore, it has been classified as a Variant of Uncertain Significance.

NM_017636.4(TRPM4):c.47AGA[2] (p.Lys18del)

Gene: TRPM4 (transient receptor potential cation channel subfamily M member 4; plus strand). Cytogenetic location: 19q13.33.
Variant type: Microsatellite.
Coding change: c.47AGA[2] on transcript NM_017636.4 (MANE Select); two copies in a row of the 3-base unit AGA starting at c.47; the reference has three copies in a row; one copy, 3 bases deleted.
Protein change: p.Lys18del; deletes lysine 18.
Molecular consequence: inframe deletion. On other transcripts: 5 prime UTR variant (3).
Genome position (GRCh38, 1-based): chr19:49,158,220-49,158,222, AGA deleted; deleting any 3 consecutive bases within chr19:49,158,213-49,158,222 gives the same sequence; the position shown is the placement nearest the transcript's 3' end. VCF-style (leftmost placement, unchanged base first): chr19-49158212-CAAG-C. GRCh37 (hg19) VCF-style: chr19-49661469-CAAG-C.
Other names: c.47AGA[2], p.Lys18del (NM_001195227.2, NM_001321281.2); c.-1326AGA[2] (NM_001321282.2); c.-120AGA[2] (NM_001321283.2); c.-283AGA[2] (NM_001321285.2); short protein forms K18del.
Identifiers: ClinVar variation 1362541 (VCV001362541.8), dbSNP rs1361734644, ClinGen allele CA633634878.